The following is an entry in ClinVar:

ClinVar aggregate classification (germline): Pathogenic. Review status: criteria provided, multiple submitters, no conflicts (2 of 4 stars). 2 submissions from 2 submitters: Pathogenic (2). Last evaluated 2025-11-28.

Conditions:
Primary ciliary dyskinesia 30. Also called: CILIARY DYSKINESIA, PRIMARY, 30, WITH OR WITHOUT SITUS INVERSUS. Identifiers: Orphanet 244, MedGen C4015016, MONDO:0014465, OMIM 616037.

Submissions (2):

Clinical Genetics Laboratory, Skane University Hospital Lund
Classification: Pathogenic for Primary ciliary dyskinesia 30. Last evaluated: 2025-11-28. Review status: criteria provided, single submitter. Criteria: ACMG Guidelines, 2015. Collection method: clinical testing. Allele origin: germline. Inheritance: Autosomal recessive inheritance. Affected: yes.
Comment: ACMG criteria used: VS1, PM2, PM3.

Labcorp Genetics (formerly Invitae), Labcorp
Classification: Pathogenic for Primary ciliary dyskinesia 30. Last evaluated: 2025-07-16. Review status: criteria provided, single submitter. Criteria: Invitae Variant Classification Sherloc (09022015). Collection method: clinical testing. Allele origin: germline.
Comment: This sequence change creates a premature translational stop signal (p.Arg482Leufs*12) in the CCDC151 gene. It is expected to result in an absent or disrupted protein product. Loss-of-function variants in CCDC151 are known to be pathogenic (PMID: 25192045). This variant is not present in population databases (gnomAD no frequency). This premature translational stop signal has been observed in individual(s) with primary ciliary dyskinesia (PMID: 35239159). For these reasons, this variant has been classified as Pathogenic.

Literature cited by the submitters: PubMed 25192045 (cited by Labcorp Genetics (formerly Invitae), Labcorp); PubMed 35239159 (cited by Labcorp Genetics (formerly Invitae), Labcorp).

NM_145045.5(ODAD3):c.1445_1446del (p.Arg482fs)

Gene: ODAD3 (outer dynein arm docking complex subunit 3; minus strand). Cytogenetic location: 19p13.2.
Variant type: Deletion.
Coding change: c.1445_1446del on transcript NM_145045.5 (MANE Select); coding-DNA positions 1445 to 1446, 2 bases deleted (GC; older notation c.1445_1446delGC).
Protein change: p.Arg482fs; shifts the reading frame from arginine 482.
Molecular consequence: frameshift variant.
Genome position (GRCh38, 1-based): chr19:11,421,821-11,421,822, GC deleted on the plus strand (GC on the coding strand, the reverse complement: ODAD3 is on the minus strand); deleting any 2 consecutive bases within chr19:11,421,821-11,421,823 gives the same sequence; the c. name uses the placement nearest the transcript's 3' end. VCF-style (leftmost placement, unchanged base first): chr19-11421820-AGC-A. GRCh37 (hg19) VCF-style: chr19-11532488-AGC-A.
Other names: c.1283_1284del, p.Arg428fs (NM_001302453.1); c.1265_1266del, p.Arg422fs (NM_001302454.2); short protein forms R422fs, R428fs, R482fs.
Identifiers: ClinVar variation 4531302 (VCV004531302.2).